The following is an entry in ClinVar:

NM_001378120.1(MBD5):c.421C>T (p.Arg141Trp)

Gene: MBD5 (methyl-CpG binding domain protein 5; plus strand). Cytogenetic location: 2q23.1.
Variant type: single nucleotide variant.
Coding change: c.421C>T on transcript NM_001378120.1 (MANE Select); coding-DNA position 421, C replaced by T.
Protein change: p.Arg141Trp; replaces arginine 141 with tryptophan.
Molecular consequence: missense variant.
Genome position (GRCh38, 1-based): chr2:148,468,364, C>T. VCF-style: chr2-148468364-C-T. GRCh37 (hg19) VCF-style: chr2-149225933-C-T.
Other names: c.421C>T, p.Arg141Trp (NM_018328.5); short protein forms R141W.
Identifiers: ClinVar variation 3689722 (VCV003689722.2).

ClinVar aggregate classification (germline): Uncertain significance (1 of 4 stars; one submission).

Conditions:
Intellectual developmental disorder, autosomal dominant 1. Also called: MBD5 Haploinsufficiency; Intellectual disability, autosomal dominant 1. Identifiers: Orphanet 228402, MedGen C1969562, MONDO:0007974, OMIM 156200.

Submission:

Labcorp Genetics (formerly Invitae), Labcorp
Classification: Uncertain significance for Intellectual developmental disorder, autosomal dominant 1. Last evaluated: 2024-05-06. Review status: criteria provided, single submitter. Criteria: Invitae Variant Classification Sherloc (09022015). Collection method: clinical testing. Allele origin: germline.
Comment: This sequence change replaces arginine, which is basic and polar, with tryptophan, which is neutral and slightly polar, at codon 141 of the MBD5 protein (p.Arg141Trp). This variant is present in population databases (rs757105717, gnomAD 0.006%). This variant has not been reported in the literature in individuals affected with MBD5-related conditions. Advanced modeling of protein sequence and biophysical properties (such as structural, functional, and spatial information, amino acid conservation, physicochemical variation, residue mobility, and thermodynamic stability) performed at Invitae indicates that this missense variant is not expected to disrupt MBD5 protein function with a negative predictive value of 80%. In summary, the available evidence is currently insufficient to determine the role of this variant in disease. Therefore, it has been classified as a Variant of Uncertain Significance.